The following is an entry in ClinVar:

ClinVar aggregate classification (germline): Uncertain significance (1 of 4 stars; one submission).

Submission:

GeneDx
Classification: Uncertain significance. Last evaluated: 2016-11-28. Review status: criteria provided, single submitter. Criteria: GeneDx Variant Classification (06012015). Collection method: clinical testing. Allele origin: germline. Affected: yes.
Comment: This variant is denoted ATM c.1373G>C at the cDNA level, p.Cys458Ser (C458S) at the protein level, and results in the change of a Cysteine to a Serine (TGC>TCC). This variant has not, to our knowledge, been published in the literature as pathogenic or benign. ATM Cys458Ser was not observed in approximately 6,500 individuals of European and African American ancestry in the NHLBI Exome Sequencing Project, suggesting it is not a common benign variant in these populations. Since Cysteine and Serine differ in polarity, charge, size or other properties, this is considered a non-conservative amino acid substitution. ATM Cys458Ser occurs at a position that is conserved in mammals and is not located in a known functional domain. In silico analyses predict that this variant is probably damaging to protein structure and function. Based on currently available evidence, it is unclear whether ATM Cys458Ser is a pathogenic or benign variant. We consider it to be a variant of uncertain significance.

NM_000051.4(ATM):c.1373G>C (p.Cys458Ser)

Gene: ATM (ATM serine/threonine kinase; plus strand). Cytogenetic location: 11q22.3.
Variant type: single nucleotide variant.
Coding change: c.1373G>C on transcript NM_000051.4 (MANE Select); coding-DNA position 1373, G replaced by C.
Protein change: p.Cys458Ser; replaces cysteine 458 with serine.
Molecular consequence: missense variant.
Genome position (GRCh38, 1-based): chr11:108,250,838, G>C. VCF-style: chr11-108250838-G-C. GRCh37 (hg19) VCF-style: chr11-108121565-G-C.
Other names: c.1373G>C, p.Cys458Ser (NM_001351834.2); short protein forms C458S.
Identifiers: ClinVar variation 422811 (VCV000422811.2), dbSNP rs1064796013, ClinGen allele CA16619116.